The following is an entry in ClinVar:

NM_177438.3(DICER1):c.4973C>T (p.Thr1658Ile)

Gene: DICER1 (dicer 1, ribonuclease III; minus strand). Cytogenetic location: 14q32.13.
Variant type: single nucleotide variant.
Coding change: c.4973C>T on transcript NM_177438.3 (MANE Select); coding-DNA position 4973, C replaced by T.
Protein change: p.Thr1658Ile; replaces threonine 1658 with isoleucine.
Molecular consequence: missense variant. On other transcripts: non-coding transcript variant (6).
Genome position (GRCh38, 1-based): chr14:95,095,947, G>A on the plus strand (C>T on the coding strand, the complement: DICER1 is on the minus strand). VCF-style: chr14-95095947-G-A. GRCh37 (hg19) VCF-style: chr14-95562284-G-A.
Other names: c.4973C>T, p.Thr1658Ile (NM_001195573.1, NM_001271282.3, NM_001291628.2 and 13 more transcripts); c.4691C>T, p.Thr1564Ile (NM_001395686.1); c.4568C>T, p.Thr1523Ile (NM_001395687.1, NM_001395688.1, NM_001395689.1 and 2 more transcripts); c.4406C>T, p.Thr1469Ile (NM_001395691.1); c.3290C>T, p.Thr1097Ile (NM_001395697.1); short protein forms T1469I, T1523I, T1564I, T1097I, T1658I.
Identifiers: ClinVar variation 2451711 (VCV002451711.5), dbSNP rs2542478916, ClinGen allele CA390866190.

ClinVar aggregate classification (germline): Uncertain significance. Review status: criteria provided, multiple submitters, no conflicts (2 of 4 stars). 2 submissions from 2 submitters: Uncertain significance (2). Last evaluated 2023-11-09.

Conditions:
Hereditary cancer-predisposing syndrome. Also called: Hereditary neoplastic syndrome; Tumor predisposition; Neoplastic Syndromes, Hereditary; Hereditary Cancer Syndrome. Identifiers: Orphanet 140162, MedGen C0027672, MeSH D009386, MONDO:0015356.
DICER1-related tumor predisposition. Also called: DICER1 syndrome; DICER1-related pleuropulmonary blastoma cancer predisposition syndrome. Identifiers: Orphanet 284343, MedGen C3839822, MONDO:0100216.

Allele frequency attached by ClinVar (database versions not stated): gnomAD exomes below 0.00001.

Submissions (2):

Labcorp Genetics (formerly Invitae), Labcorp
Classification: Uncertain significance for DICER1-related tumor predisposition. Last evaluated: 2023-11-09. Review status: criteria provided, single submitter. Criteria: Invitae Variant Classification Sherloc (09022015). Collection method: clinical testing. Allele origin: germline.
Comment: This sequence change replaces threonine, which is neutral and polar, with isoleucine, which is neutral and non-polar, at codon 1658 of the DICER1 protein (p.Thr1658Ile). This variant is not present in population databases (gnomAD no frequency). This variant has not been reported in the literature in individuals affected with DICER1-related conditions. ClinVar contains an entry for this variant (Variation ID: 2451711). Advanced modeling of protein sequence and biophysical properties (such as structural, functional, and spatial information, amino acid conservation, physicochemical variation, residue mobility, and thermodynamic stability) performed at Invitae indicates that this missense variant is not expected to disrupt DICER1 protein function with a negative predictive value of 80%. In summary, the available evidence is currently insufficient to determine the role of this variant in disease. Therefore, it has been classified as a Variant of Uncertain Significance.

Ambry Genetics
Classification: Uncertain significance for Hereditary cancer-predisposing syndrome. Last evaluated: 2023-01-15. Review status: criteria provided, single submitter. Criteria: Ambry Variant Classification Scheme 2023. Collection method: clinical testing. Allele origin: germline.
Comment: The p.T1658I variant (also known as c.4973C>T), located in coding exon 22 of the DICER1 gene, results from a C to T substitution at nucleotide position 4973. The threonine at codon 1658 is replaced by isoleucine, an amino acid with similar properties. This amino acid position is conserved. In addition, this alteration is predicted to be deleterious by in silico analysis. Since supporting evidence is limited at this time, the clinical significance of this alteration remains unclear.